The following is an entry in ClinVar:

NM_006941.4(SOX10):c.776_779dup (p.Ser262fs)

Genes: POLR2F (RNA polymerase II, I and III subunit F; plus strand), SOX10 (SRY-box transcription factor 10; minus strand). Cytogenetic location: 22q13.1.
Variant type: Duplication.
Coding change: c.776_779dup on transcript NM_006941.4 (MANE Select); coding-DNA positions 776 to 779, 4 bases duplicated (ACGG; older notation c.776_779dupACGG).
Protein change: p.Ser262fs; shifts the reading frame from serine 262.
Molecular consequence: frameshift variant. On other transcripts: intron variant (3).
Genome position (GRCh38, 1-based): chr22:37,974,117-37,974,120, CCGT duplicated on the plus strand (ACGG on the coding strand, the reverse complement: SOX10 is on the minus strand); duplicating any 4 consecutive bases within chr22:37,974,117-37,974,122 gives the same sequence; the c. name uses the placement nearest the transcript's 3' end. VCF-style (leftmost placement, unchanged base first): chr22-37974116-C-CCCGT. GRCh37 (hg19) VCF-style: chr22-38370123-C-CCCGT.
Other names: c.*38+1809_*38+1812dup (NM_001363825.1); c.293+6949_293+6952dup (NM_001301130.2, NM_001301131.2); short protein forms S262fs.
Identifiers: ClinVar variation 3601854 (VCV003601854.1).

ClinVar aggregate classification (germline): Pathogenic (1 of 4 stars; one submission).

Conditions:
Waardenburg syndrome type 4C (WS4C). Also called: WAARDENBURG SYNDROME WITH HIRSCHSPRUNG DISEASE, TYPE 4C. Identifiers: Orphanet 897, MedGen C2750452, MONDO:0013202, OMIM 613266.

Submission:

Institute of Rare Diseases, West China Hospital, Sichuan University
Classification: Pathogenic for Waardenburg syndrome type 4C. Last evaluated: 2025-01-09. Review status: criteria provided, single submitter. Criteria: ClinGen HL ACMG Specifications v1. Collection method: research. Allele origin: germline. Affected: yes.
Comment: PM1;PVS1;PP4;PM2_Supporting;PS1